The following is an entry in ClinVar:

ClinVar aggregate classification (germline): Uncertain significance. Review status: criteria provided, multiple submitters, no conflicts (2 of 4 stars). 2 submissions from 2 submitters: Uncertain significance (2). Last evaluated 2024-10-29.

Conditions:
Inborn genetic diseases. Identifiers: MedGen C0950123, MeSH D030342.
Developmental and epileptic encephalopathy, 30 (DEE30). Also called: Epileptic encephalopathy, early infantile, 30. Identifiers: MedGen C4225360, MONDO:0014595, OMIM 616341.

Allele frequency attached by ClinVar (database versions not stated): ExAC 0.00002.

Submissions (2):

Labcorp Genetics (formerly Invitae), Labcorp
Classification: Uncertain significance for Developmental and epileptic encephalopathy, 30. Last evaluated: 2024-10-29. Review status: criteria provided, single submitter. Criteria: Invitae Variant Classification Sherloc (09022015). Collection method: clinical testing. Allele origin: germline.
Comment: This sequence change replaces threonine, which is neutral and polar, with methionine, which is neutral and non-polar, at codon 594 of the SIK1 protein (p.Thr594Met). The frequency data for this variant in the population databases is considered unreliable, as metrics indicate poor data quality at this position in the gnomAD database. This variant has not been reported in the literature in individuals affected with SIK1-related conditions. ClinVar contains an entry for this variant (Variation ID: 972301). Invitae Evidence Modeling of protein sequence and biophysical properties (such as structural, functional, and spatial information, amino acid conservation, physicochemical variation, residue mobility, and thermodynamic stability) indicates that this missense variant is not expected to disrupt SIK1 protein function with a negative predictive value of 95%. In summary, the available evidence is currently insufficient to determine the role of this variant in disease. Therefore, it has been classified as a Variant of Uncertain Significance.

Ambry Genetics
Classification: Uncertain significance for Inborn genetic diseases. Last evaluated: 2018-04-19. Review status: criteria provided, single submitter. Criteria: Ambry Variant Classification Scheme 2023. Collection method: clinical testing. Allele origin: germline.
Comment: The p.T594M variant (also known as c.1781C>T), located in coding exon 12 of the SIK1 gene, results from a C to T substitution at nucleotide position 1781. The threonine at codon 594 is replaced by methionine, an amino acid with similar properties. This amino acid position is not well conserved in available vertebrate species, and methionine is the reference amino acid in other vertebrate species. In addition, this alteration is predicted to be tolerated by in silico analysis. Since supporting evidence is limited at this time, the clinical significance of this alteration remains unclear.

NM_173354.5(SIK1):c.1781C>T (p.Thr594Met)

Gene: SIK1 (salt inducible kinase 1; minus strand). Cytogenetic location: 21q22.3.
Variant type: single nucleotide variant.
Coding change: c.1781C>T on transcript NM_173354.5 (MANE Select); coding-DNA position 1781, C replaced by T.
Protein change: p.Thr594Met; replaces threonine 594 with methionine.
Molecular consequence: missense variant.
Genome position (GRCh38, 1-based): chr21:43,417,738, G>A on the plus strand (C>T on the coding strand, the complement: SIK1 is on the minus strand). VCF-style: chr21-43417738-G-A. GRCh37 (hg19) VCF-style: chr21-44837618-G-A.
Other names: short protein forms T594M.
Identifiers: ClinVar variation 972301 (VCV000972301.10), dbSNP rs754963793, ClinGen allele CA321324988.